The following is an entry in ClinVar:

ClinVar aggregate classification (germline): Pathogenic (1 of 4 stars; one submission).

Conditions:
Hereditary cancer-predisposing syndrome. Also called: Neoplastic Syndromes, Hereditary; Tumor predisposition; Hereditary Cancer Syndrome; Hereditary neoplastic syndrome. Identifiers: Orphanet 140162, MedGen C0027672, MeSH D009386, MONDO:0015356.

Submission:

Ambry Genetics
Classification: Pathogenic for Hereditary cancer-predisposing syndrome. Last evaluated: 2021-01-22. Review status: criteria provided, single submitter. Criteria: Ambry Variant Classification Scheme 2023. Collection method: clinical testing. Allele origin: germline.
Comment: The c.1802delT pathogenic mutation, located in coding exon 4 of the MSH6 gene, results from a deletion of one nucleotide at nucleotide position 1802, causing a translational frameshift with a predicted alternate stop codon (p.L601Pfs*9). This alteration is expected to result in loss of function by premature protein truncation or nonsense-mediated mRNA decay. As such, this alteration is interpreted as a disease-causing mutation.

NM_000179.3(MSH6):c.1802del (p.Leu601fs)

Gene: MSH6 (mutS homolog 6; plus strand). Cytogenetic location: 2p16.3.
Variant type: Deletion.
Coding change: c.1802del on transcript NM_000179.3 (MANE Select); coding-DNA position 1802, one base deleted (T; older notation c.1802delT).
Protein change: p.Leu601fs; shifts the reading frame from leucine 601.
Molecular consequence: frameshift variant.
Genome position (GRCh38, 1-based): chr2:47,799,785, T deleted. VCF-style (leftmost placement, unchanged base first): chr2-47799784-CT-C. GRCh37 (hg19) VCF-style: chr2-48026923-CT-C.
Other names: c.1412del, p.Leu471fs (NM_001281492.2); c.896del, p.Leu299fs (NM_001281493.2, NM_001281494.2); c.1898delT, p.Leu633Profs (NM_001406795.1, NM_001406802.1); c.1802delT, p.Leu601Profs (NM_001406796.1, NM_001406798.1, NM_001406800.1 and 3 more transcripts); c.1505delT, p.Leu502Profs (NM_001406797.1, NM_001406801.1, NM_001406805.1 and 10 more transcripts); c.1277delT, p.Leu426Profs (NM_001406799.1, NM_001406806.1, NM_001406807.1); c.1724delT, p.Leu575Profs (NM_001406804.1); c.896delT, p.Leu299Profs (NM_001406811.1, NM_001406812.1, NM_001406814.1 and 4 more transcripts); and 2 more; short protein forms L471fs, L299fs, L601fs.
Identifiers: ClinVar variation 1780427 (VCV001780427.2), dbSNP rs2530630870, ClinGen allele CA2580067699.